The following is an entry in ClinVar:

NM_006767.4(LZTR1):c.2103del (p.Glu702fs)

Gene: LZTR1 (leucine zipper like post translational regulator 1; plus strand). Cytogenetic location: 22q11.21.
Variant type: Deletion.
Coding change: c.2103del on transcript NM_006767.4 (MANE Select); coding-DNA position 2103, one base deleted (C; older notation c.2103delC).
Protein change: p.Glu702fs; shifts the reading frame from glutamic acid 702.
Molecular consequence: frameshift variant.
Genome position (GRCh38, 1-based): chr22:20,995,996, C deleted; the last of 3 consecutive C bases (chr22:20,995,994-20,995,996); deleting any one gives the same sequence. VCF-style (leftmost placement, unchanged base first): chr22-20995993-GC-G. GRCh37 (hg19) VCF-style: chr22-21350282-GC-G.
Other names: short protein forms E702fs.
Identifiers: ClinVar variation 3061218 (VCV003061218.2), dbSNP rs2518624465, ClinGen allele CA2740094793.

ClinVar aggregate classification (germline): Likely pathogenic (0 of 4 stars; one submission).

Conditions:
LZTR1-related disorder. Also called: LZTR1-related disorders; LZTR1-related condition.

Submission:

PreventionGenetics, part of Exact Sciences
Classification: Likely pathogenic for LZTR1-related condition. Last evaluated: 2024-02-19. Review status: no assertion criteria provided. Collection method: clinical testing. Allele origin: germline.
Comment: The LZTR1 c.2103delC variant is predicted to result in a frameshift and premature protein termination (p.Glu702Lysfs*5). To our knowledge, this variant has not been reported in the literature or in a large population database, indicating this variant is rare. Frameshift variants in LZTR1 are expected to be pathogenic. This variant is interpreted as likely pathogenic.